The following is an entry in ClinVar:

ClinVar aggregate classification (germline): Uncertain significance (1 of 4 stars; one submission).

Conditions:
Hereditary cancer-predisposing syndrome. Also called: Hereditary neoplastic syndrome; Neoplastic Syndromes, Hereditary; Tumor predisposition; Hereditary Cancer Syndrome. Identifiers: Orphanet 140162, MedGen C0027672, MeSH D009386, MONDO:0015356.

Submission:

Ambry Genetics
Classification: Uncertain significance for Hereditary cancer-predisposing syndrome. Last evaluated: 2021-06-05. Review status: criteria provided, single submitter. Criteria: Ambry Variant Classification Scheme 2023. Collection method: clinical testing. Allele origin: germline.
Comment: The p.R2748W variant (also known as c.8242A>T), located in coding exon 55 of the ATM gene, results from an A to T substitution at nucleotide position 8242. The arginine at codon 2748 is replaced by tryptophan, an amino acid with dissimilar properties. This amino acid position is highly conserved in available vertebrate species. In addition, this alteration is predicted to be deleterious by in silico analysis. Since supporting evidence is limited at this time, the clinical significance of this alteration remains unclear.

NM_000051.4(ATM):c.8242A>T (p.Arg2748Trp)

Genes: C11orf65 (chromosome 11 open reading frame 65; minus strand), ATM (ATM serine/threonine kinase; plus strand). Cytogenetic location: 11q22.3.
Variant type: single nucleotide variant.
Coding change: c.8242A>T on transcript NM_000051.4 (MANE Select); coding-DNA position 8242, A replaced by T.
Protein change: p.Arg2748Trp; replaces arginine 2748 with tryptophan.
Molecular consequence: missense variant. On other transcripts: intron variant (2).
Genome position (GRCh38, 1-based): chr11:108,335,935, A>T. VCF-style: chr11-108335935-A-T. GRCh37 (hg19) VCF-style: chr11-108206662-A-T.
Other names: c.641-26864T>A (NM_001330368.2); c.695-643T>A (NM_001351110.2); c.8242A>T, p.Arg2748Trp (NM_001351834.2); short protein forms R2748W.
Identifiers: ClinVar variation 1762600 (VCV001762600.2), dbSNP rs2136698738, ClinGen allele CA382562650.